The following is an entry in ClinVar:

NM_152743.4(BRAT1):c.2020C>T (p.Pro674Ser)

Gene: BRAT1 (BRCA1 associated ATM activator 1; minus strand). Cytogenetic location: 7p22.3.
Variant type: single nucleotide variant.
Coding change: c.2020C>T on transcript NM_152743.4 (MANE Select); coding-DNA position 2020, C replaced by T.
Protein change: p.Pro674Ser; replaces proline 674 with serine.
Molecular consequence: missense variant. On other transcripts: non-coding transcript variant (1).
Genome position (GRCh38, 1-based): chr7:2,538,515, G>A on the plus strand (C>T on the coding strand, the complement: BRAT1 is on the minus strand). VCF-style: chr7-2538515-G-A. GRCh37 (hg19) VCF-style: chr7-2578149-G-A.
Other names: c.2200C>T, p.Pro734Ser (NM_001350626.2); c.1495C>T, p.Pro499Ser (NM_001350627.2); short protein forms P734S, P674S, P499S.
Identifiers: ClinVar variation 951935 (VCV000951935.9), dbSNP rs1028833727, ClinGen allele CA152664781.

ClinVar aggregate classification (germline): Uncertain significance (1 of 4 stars; one submission).

Conditions:
Neonatal-onset encephalopathy with rigidity and seizures. Also called: Lethal neonatal spasticity-epileptic encephalopathy syndrome. Identifiers: Orphanet 435845, MedGen C3281029, MONDO:0013784, OMIM 614498.

Allele frequency attached by ClinVar (database versions not stated): TOPMed 0.00001; gnomAD 0.00002 and 0.00003.
gnomAD v4.1: 12 of 1,609,790 alleles (0.00075%); highest among the groups gnomAD compares: East Asian, 0.0022%; no homozygotes.

Submission:

Labcorp Genetics (formerly Invitae), Labcorp
Classification: Uncertain significance for Neonatal-onset encephalopathy with rigidity and seizures. Last evaluated: 2020-02-21. Review status: criteria provided, single submitter. Criteria: Invitae Variant Classification Sherloc (09022015). Collection method: clinical testing. Allele origin: germline.
Comment: In summary, the available evidence is currently insufficient to determine the role of this variant in disease. Therefore, it has been classified as a Variant of Uncertain Significance. Algorithms developed to predict the effect of missense changes on protein structure and function (SIFT, PolyPhen-2, Align-GVGD) all suggest that this variant is likely to be disruptive, but these predictions have not been confirmed by published functional studies and their clinical significance is uncertain. This variant has not been reported in the literature in individuals with BRAT1-related conditions. This variant is not present in population databases (ExAC no frequency). This sequence change replaces proline with serine at codon 674 of the BRAT1 protein (p.Pro674Ser). The proline residue is highly conserved and there is a moderate physicochemical difference between proline and serine.